The following is an entry in ClinVar:

NM_000094.4(COL7A1):c.5339G>A (p.Arg1780Gln)

Gene: COL7A1 (collagen type VII alpha 1 chain; minus strand). Cytogenetic location: 3p21.31.
Variant type: single nucleotide variant.
Coding change: c.5339G>A on transcript NM_000094.4 (MANE Select); coding-DNA position 5339, G replaced by A.
Protein change: p.Arg1780Gln; replaces arginine 1780 with glutamine.
Molecular consequence: missense variant.
Genome position (GRCh38, 1-based): chr3:48,579,246, C>T on the plus strand (G>A on the coding strand, the complement: COL7A1 is on the minus strand). VCF-style: chr3-48579246-C-T. GRCh37 (hg19) VCF-style: chr3-48616679-C-T.
Other names: short protein forms R1780Q.
Identifiers: ClinVar variation 1313845 (VCV001313845.7), dbSNP rs765367177, ClinGen allele CA2379554.

ClinVar aggregate classification (germline): Uncertain significance. Review status: criteria provided, multiple submitters, no conflicts (2 of 4 stars). 3 submissions from 3 submitters: Uncertain significance (3). Last evaluated 2024-05-22.

Conditions:
Inborn genetic diseases. Identifiers: MedGen C0950123, MeSH D030342.

Allele frequency attached by ClinVar (database versions not stated): gnomAD exomes 0.00001 and 0.00003; ExAC 0.00002; TOPMed 0.00003; gnomAD 0.00004 and 0.00005.
gnomAD v4.1: 27 of 1,613,770 alleles (0.0017%); highest among the groups gnomAD compares: Admixed American, 0.01%; no homozygotes.

Submissions (3):

Labcorp Genetics (formerly Invitae), Labcorp
Classification: Uncertain significance. Last evaluated: 2024-05-22. Review status: criteria provided, single submitter. Criteria: Invitae Variant Classification Sherloc (09022015). Collection method: clinical testing. Allele origin: germline.
Comment: This sequence change replaces arginine, which is basic and polar, with glutamine, which is neutral and polar, at codon 1780 of the COL7A1 protein (p.Arg1780Gln). This variant is present in population databases (rs765367177, gnomAD 0.01%). This variant has not been reported in the literature in individuals affected with COL7A1-related conditions. ClinVar contains an entry for this variant (Variation ID: 1313845). Advanced modeling of protein sequence and biophysical properties (such as structural, functional, and spatial information, amino acid conservation, physicochemical variation, residue mobility, and thermodynamic stability) has been performed at Invitae for this missense variant, however the output from this modeling did not meet the statistical confidence thresholds required to predict the impact of this variant on COL7A1 protein function. In summary, the available evidence is currently insufficient to determine the role of this variant in disease. Therefore, it has been classified as a Variant of Uncertain Significance.

Ambry Genetics
Classification: Uncertain significance for Inborn genetic diseases. Last evaluated: 2021-12-03. Review status: criteria provided, single submitter. Criteria: Ambry Variant Classification Scheme 2023. Collection method: clinical testing. Allele origin: germline.

GeneDx
Classification: Uncertain significance. Last evaluated: 2021-01-07. Review status: criteria provided, single submitter. Criteria: GeneDx Variant Classification Process June 2021. Collection method: clinical testing. Allele origin: germline. Affected: yes.
Comment: Has not been previously published as pathogenic or benign to our knowledge; In silico analysis supports that this missense variant does not alter protein structure/function; Replaces the X position of the canonical Gly-X-Y repeat within the triple-helical region